The following is an entry in ClinVar:

ClinVar aggregate classification (germline): Likely benign (1 of 4 stars; one submission).

Submissions (2):

Women's Health and Genetics/Laboratory Corporation of America, LabCorp
Classification: Likely benign. Last evaluated: 2026-06-03. Review status: criteria provided, single submitter. Criteria: LabCorp Variant Classification Summary - May 2015. Collection method: clinical testing. Allele origin: germline.
Comment: Variant summary: CHD4 c.4780-19G>T alters a nucleotide located at a position not widely known to affect splicing. Consensus agreement among computation tools predict no significant impact on normal splicing. However, these predictions have yet to be confirmed by functional studies. The variant allele was found at a frequency of 8.1e-06 in 246442 control chromosomes. The available data on variant occurrences in the general population are insufficient to allow any conclusion about variant significance. To our knowledge, no occurrence of c.4780-19G>T in individuals affected with CHD4-related conditions and no experimental evidence demonstrating its impact on protein function have been reported. No submitters have cited clinical-significance assessments for this variant to ClinVar. Based on the evidence outlined above, the variant was classified as likely benign.

Dr. Peter K. Rogan Lab, Western University
No classification provided (evidence only). Condition: Acute myeloid leukemia. Review status: no classification provided. Collection method: in vitro. Allele origin: not applicable. Functional consequence: retained intron. Not counted in ClinVar's aggregate classification.

NM_001273.5(CHD4):c.4780-19G>T

Genes: CHD4 (chromodomain helicase DNA binding protein 4; minus strand), CHD4-AS1 (CHD4 antisense RNA 1; plus strand). Cytogenetic location: 12p13.31.
Variant type: single nucleotide variant.
Coding change: c.4780-19G>T on transcript NM_001273.5 (MANE Select); 19 bases into the intron before coding-DNA position 4780, G replaced by T.
Molecular consequence: intron variant.
Genome position (GRCh38, 1-based): chr12:6,581,192, C>A on the plus strand (G>T on the coding strand, the complement: CHD4 is on the minus strand). VCF-style: chr12-6581192-C-A. GRCh37 (hg19) VCF-style: chr12-6690358-C-A.
Other names: NC_000012.11:g.6690358C>A; c.4741-19G>T (NM_001363606.2); c.4759-19G>T (NM_001297553.2).
Identifiers: ClinVar variation 4388186 (VCV004388186.2).